The following is an entry in ClinVar:

ClinVar aggregate classification (germline): Pathogenic (1 of 4 stars; one submission).

Conditions:
Developmental and epileptic encephalopathy, 2 (DEE2). Also called: INFANTILE SPASM SYNDROME, X-LINKED 2; CDKL5 deficiency disorder. Identifiers: Orphanet 1934, Orphanet 3451, Orphanet 505652, MedGen C4750718, MONDO:0010396, OMIM 300672.
Angelman syndrome-like. Identifiers: MedGen CN128785.

Submission:

Labcorp Genetics (formerly Invitae), Labcorp
Classification: Pathogenic for Developmental and epileptic encephalopathy, 2; Angelman syndrome-like. Last evaluated: 2023-06-27. Review status: criteria provided, single submitter. Criteria: Invitae Variant Classification Sherloc (09022015). Collection method: clinical testing. Allele origin: germline.
Comment: A similar copy number variant has been observed in individual(s) with clinical features of CDKL5-related conditions (PMID: 22872100). For these reasons, this variant has been classified as Pathogenic. This variant is a gross deletion of the genomic region encompassing exon(s) 2-3 of the CDKL5 gene, which includes the initiator codon. This deletion extends beyond the assayed region for this gene and therefore may encompass additional genes. It is expected to result in an absent or disrupted protein product. Loss-of-function variants in CDKL5 are known to be pathogenic (PMID: 22872100).

Literature cited by the submitters: PubMed 22872100.

NC_000023.11:g.(?_18506933)_(18510874_?)del

Gene: CDKL5 (cyclin dependent kinase like 5; plus strand). Cytogenetic location: Xp22.13.
Variant type: Deletion.
Identifiers: ClinVar variation 830999 (VCV000830999.10).